The following is an entry in ClinVar:

ClinVar aggregate classification (germline): Conflicting classifications of pathogenicity. Review status: criteria provided, conflicting classifications (1 of 4 stars). 3 submissions from 3 submitters: Uncertain significance (1); Likely benign (2). Last evaluated 2025-05-22.

Conditions:
Hereditary breast ovarian cancer syndrome. Also called: Hereditary breast and ovarian cancer; Breast and ovarian cancer; Hereditary breast and ovarian cancer syndrome; Hereditary breast and/or ovarian cancer syndrome; BRCA1- and BRCA2-Associated Hereditary Breast and Ovarian Cancer; Hereditary breast and ovarian cancer syndrome (HBOC). Identifiers: Orphanet 145, MedGen C0677776, MeSH D061325, MONDO:0003582. Disease mechanism: loss of function.
Hereditary cancer-predisposing syndrome. Also called: Hereditary Cancer Syndrome; Hereditary neoplastic syndrome; Neoplastic Syndromes, Hereditary; Tumor predisposition. Identifiers: Orphanet 140162, MedGen C0027672, MeSH D009386, MONDO:0015356.

Allele frequency attached by ClinVar (database versions not stated): gnomAD exomes below 0.00001; gnomAD 0.00001.
gnomAD v4.1: 2 of 1,609,800 alleles (0.00012%); highest among the groups gnomAD compares: Admixed American, 0.0034%; no homozygotes.

Submissions (3):

Labcorp Genetics (formerly Invitae), Labcorp
Classification: Uncertain significance for Hereditary breast ovarian cancer syndrome. Last evaluated: 2025-05-22. Review status: criteria provided, single submitter. Criteria: Invitae Variant Classification Sherloc (09022015). Collection method: clinical testing. Allele origin: germline.
Comment: This sequence change replaces alanine, which is neutral and non-polar, with serine, which is neutral and polar, at codon 1043 of the BRCA2 protein (p.Ala1043Ser). This variant is present in population databases (no rsID available, gnomAD 0.003%). This variant has not been reported in the literature in individuals affected with BRCA2-related conditions. ClinVar contains an entry for this variant (Variation ID: 441488). Invitae Evidence Modeling of protein sequence and biophysical properties (such as structural, functional, and spatial information, amino acid conservation, physicochemical variation, residue mobility, and thermodynamic stability) indicates that this missense variant is not expected to disrupt BRCA2 protein function with a negative predictive value of 95%. In summary, the available evidence is currently insufficient to determine the role of this variant in disease. Therefore, it has been classified as a Variant of Uncertain Significance.

Ambry Genetics
Classification: Likely benign for Hereditary cancer-predisposing syndrome. Last evaluated: 2024-11-11. Review status: criteria provided, single submitter. Criteria: Ambry Variant Classification Scheme 2023. Collection method: clinical testing. Allele origin: germline.

University of Washington Department of Laboratory Medicine, University of Washington
Classification: Likely benign for Hereditary cancer-predisposing syndrome. Last evaluated: 2023-03-23. Review status: criteria provided, single submitter. Criteria: Dines et al. (Genet Med. 2020). Collection method: curation. Allele origin: germline.
Comment: Missense variant in a coldspot region where missense variants are very unlikely to be pathogenic (PMID:31911673).

BRCA2 exon 11 coldspot. Reclassification based on statistical prior probability.

NM_000059.4(BRCA2):c.3127G>T (p.Ala1043Ser)

Gene: BRCA2 (BRCA2 DNA repair associated; plus strand). Cytogenetic location: 13q13.1.
Variant type: single nucleotide variant.
Coding change: c.3127G>T on transcript NM_000059.4 (MANE Select); coding-DNA position 3127, G replaced by T.
Protein change: p.Ala1043Ser; replaces alanine 1043 with serine.
Molecular consequence: missense variant.
Genome position (GRCh38, 1-based): chr13:32,337,482, G>T. VCF-style: chr13-32337482-G-T. GRCh37 (hg19) VCF-style: chr13-32911619-G-T.
Other names: short protein forms A1043S.
Identifiers: ClinVar variation 441488 (VCV000441488.10), dbSNP rs1455903281, ClinGen allele CA387775720.